The following is an entry in ClinVar:

NM_024325.6(ZNF343):c.1677C>T (p.Ser559=)

Gene: ZNF343 (zinc finger protein 343; minus strand). Cytogenetic location: 20p13.
Variant type: single nucleotide variant.
Coding change: c.1677C>T on transcript NM_024325.6 (MANE Select); coding-DNA position 1677, C replaced by T.
Protein change: p.Ser559=; no amino-acid change (serine 559 retained).
Molecular consequence: synonymous variant.
Genome position (GRCh38, 1-based): chr20:2,483,284, G>A on the plus strand (C>T on the coding strand, the complement: ZNF343 is on the minus strand). VCF-style: chr20-2483284-G-A. GRCh37 (hg19) VCF-style: chr20-2463930-G-A.
Other names: c.1677C>T, p.Ser559= (NM_001282495.1, NM_001282496.2, NM_001321800.2); c.1800C>T, p.Ser600= (NM_001282497.2, NM_001321801.2); c.1407C>T, p.Ser469= (NM_001282498.2); c.1797C>T, p.Ser599= (NM_001321802.2, NM_001321803.2); c.1674C>T, p.Ser558= (NM_001321805.2).
Identifiers: ClinVar variation 3025474 (VCV003025474.22), dbSNP rs554431460, ClinGen allele CA9732635.

ClinVar aggregate classification (germline): Likely benign (1 of 4 stars; one submission).

Allele frequency attached by ClinVar (database versions not stated): ExAC 0.00010; 1000 Genomes Project 0.00040; 1000 Genomes Project 30x 0.00671.

Submission:

CeGaT Center for Human Genetics Tuebingen
Classification: Likely benign. Last evaluated: 2024-02-01. Review status: criteria provided, single submitter. Criteria: CeGaT Center For Human Genetics Tuebingen Variant Classification Criteria Version 2. Collection method: clinical testing. Allele origin: germline. Affected: yes. Observed: 1 variant allele.
Comment: ZNF343: BP4, BP7